The following is an entry in ClinVar:

NM_004168.4(SDHA):c.343G>T (p.Glu115Ter)

Gene: SDHA (succinate dehydrogenase complex flavoprotein subunit A; plus strand). Cytogenetic location: 5p15.33.
Variant type: single nucleotide variant.
Coding change: c.343G>T on transcript NM_004168.4 (MANE Select); coding-DNA position 343, G replaced by T.
Protein change: p.Glu115Ter; replaces glutamic acid 115 with a stop codon.
Molecular consequence: nonsense. On other transcripts: intron variant (1).
Genome position (GRCh38, 1-based): chr5:225,449, G>T. VCF-style: chr5-225449-G-T. GRCh37 (hg19) VCF-style: chr5-225564-G-T.
Other names: c.343G>T, p.Glu115Ter (NM_001330758.2); c.313-434G>T (NM_001294332.2); short protein forms E115*.
Identifiers: ClinVar variation 3438670 (VCV003438670.1).

ClinVar aggregate classification (germline): Pathogenic (1 of 4 stars; one submission).

Conditions:
Hereditary cancer-predisposing syndrome. Also called: Tumor predisposition; Neoplastic Syndromes, Hereditary; Hereditary neoplastic syndrome; Hereditary Cancer Syndrome. Identifiers: Orphanet 140162, MedGen C0027672, MeSH D009386, MONDO:0015356.

gnomAD v4.1: 1 of 1,612,942 alleles (0.000062%); highest among the groups gnomAD compares: African/African-American, 0.0013%; no homozygotes.

Submission:

Ambry Genetics
Classification: Pathogenic for Hereditary cancer-predisposing syndrome. Last evaluated: 2024-10-31. Review status: criteria provided, single submitter. Criteria: Ambry Variant Classification Scheme 2023. Collection method: clinical testing. Allele origin: germline.
Comment: The p.E115* pathogenic mutation (also known as c.343G>T), located in coding exon 4 of the SDHA gene, results from a G to T substitution at nucleotide position 343. This changes the amino acid from a glutamic acid to a stop codon within coding exon 4. This variant is considered to be rare based on population cohorts in the Genome Aggregation Database (gnomAD). This alteration is expected to result in loss of function by premature protein truncation or nonsense-mediated mRNA decay. As such, this alteration is interpreted as a disease-causing mutation.